The following is an entry in ClinVar:

ClinVar aggregate classification (germline): Pathogenic (1 of 4 stars; one submission).

Submission:

Labcorp Genetics (formerly Invitae), Labcorp
Classification: Pathogenic. Last evaluated: 2023-05-15. Review status: criteria provided, single submitter. Criteria: Invitae Variant Classification Sherloc (09022015). Collection method: clinical testing. Allele origin: germline.
Comment: This variant is not present in population databases (gnomAD no frequency). For these reasons, this variant has been classified as Pathogenic. ClinVar contains an entry for this variant (Variation ID: 2124959). This variant has not been reported in the literature in individuals affected with CTNNA1-related conditions. This sequence change creates a premature translational stop signal (p.Lys51Glufs*6) in the CTNNA1 gene. It is expected to result in an absent or disrupted protein product. Loss-of-function variants in CTNNA1 are known to be pathogenic (PMID: 32051609, 34425242).

Literature cited by the submitters: PubMed 32051609; PubMed 34425242.

NM_001903.5(CTNNA1):c.149dup (p.Lys51fs)

Gene: CTNNA1 (catenin alpha 1; plus strand). Cytogenetic location: 5q31.2.
Variant type: Duplication.
Coding change: c.149dup on transcript NM_001903.5 (MANE Select); coding-DNA position 149, one base duplicated (A; older notation c.149dupA).
Protein change: p.Lys51fs; shifts the reading frame from lysine 51.
Molecular consequence: frameshift variant. On other transcripts: 5 prime UTR variant (1), intron variant (1).
Genome position (GRCh38, 1-based): chr5:138,783,220, A duplicated; the last of 2 consecutive A bases (chr5:138,783,219-138,783,220); duplicating either gives the same sequence. VCF-style (leftmost placement, unchanged base first): chr5-138783218-T-TA. GRCh37 (hg19) VCF-style: chr5-138118907-T-TA.
Other names: c.149dup, p.Lys51fs (NM_001290307.3, NM_001323982.2, NM_001323983.1 and 3 more transcripts); c.-58dup (NM_001290310.3); c.-9+1191dup (NM_001290309.3); short protein forms K51fs.
Identifiers: ClinVar variation 2124959 (VCV002124959.4), dbSNP rs2532178134, ClinGen allele CA2580072837.
Genomic context (GRCh38, chr5:138,783,218, plus strand): 5'-TTAAAAATGAAACTTTTAGGTTACAACCCTTGTAAACACCAATAGTAAAGGGCCCTCTAA[T>TA]AAGAAGAGAGGTCGTTCTAAGAAGGCCCATGTTTTGGCTGCATCTGTTGAACAAGCAACT-3'